The following is an entry in ClinVar:

ClinVar aggregate classification (germline): Uncertain significance. Review status: criteria provided, single submitter (1 of 4 stars). 2 submissions from 2 submitters: Uncertain significance (1). 1 of the submissions does not count toward it. Last evaluated 2022-04-29.

Conditions:
Neu-Laxova syndrome 2. Identifiers: Orphanet 2671, Orphanet 583602, MedGen C4015019, MONDO:0014466, OMIM 616038.

Allele frequency attached by ClinVar (database versions not stated): TOPMed 0.00001.

Submissions (2):

Labcorp Genetics (formerly Invitae), Labcorp
Classification: Uncertain significance for Neu-Laxova syndrome 2. Last evaluated: 2022-04-29. Review status: criteria provided, single submitter. Criteria: Invitae Variant Classification Sherloc (09022015). Collection method: clinical testing. Allele origin: germline.
Comment: This sequence change replaces proline, which is neutral and non-polar, with serine, which is neutral and polar, at codon 126 of the PSAT1 protein (p.Pro126Ser). This variant is present in population databases (no rsID available, gnomAD 0.01%). This variant has not been reported in the literature in individuals affected with PSAT1-related conditions. ClinVar contains an entry for this variant (Variation ID: 977034). Algorithms developed to predict the effect of missense changes on protein structure and function (SIFT, PolyPhen-2, Align-GVGD) all suggest that this variant is likely to be tolerated. Experimental studies have shown that this missense change does not substantially affect PSAT1 function (PMID: 32077105). In summary, the available evidence is currently insufficient to determine the role of this variant in disease. Therefore, it has been classified as a Variant of Uncertain Significance.

Dudley Research Group, Pacific Northwest Research Institute
No classification provided. Review status: no classification provided. Collection method: research, in vivo. Allele origin: unknown, not applicable. Functional consequence: function_uncertain_variant. Not counted in ClinVar's aggregate classification.

Literature cited by the submitters: PubMed 32077105 (cited by Labcorp Genetics (formerly Invitae), Labcorp).

NM_058179.4(PSAT1):c.376C>T (p.Pro126Ser)

Gene: PSAT1 (phosphoserine aminotransferase 1; plus strand). Cytogenetic location: 9q21.2.
Variant type: single nucleotide variant.
Coding change: c.376C>T on transcript NM_058179.4 (MANE Select); coding-DNA position 376, C replaced by T.
Protein change: p.Pro126Ser; replaces proline 126 with serine.
Molecular consequence: missense variant.
Genome position (GRCh38, 1-based): chr9:78,304,919, C>T. VCF-style: chr9-78304919-C-T. GRCh37 (hg19) VCF-style: chr9-80919835-C-T.
Other names: c.376C>T, p.Pro126Ser (NM_021154.5); short protein forms P126S.
Identifiers: ClinVar variation 977034 (VCV000977034.5), dbSNP rs1013336793, ClinGen allele CA194441182.